The following is an entry in ClinVar:

NC_000022.11:g.(?_31792013)_(31792122_?)del

Gene: DEPDC5 (DEP domain containing 5, GATOR1 subcomplex subunit; plus strand). Cytogenetic location: 22q12.2.
Variant type: Deletion.
Identifiers: ClinVar variation 831318 (VCV000831318.5).

ClinVar aggregate classification (germline): Pathogenic (1 of 4 stars; one submission).

Conditions:
Familial focal epilepsy with variable foci (FPEVF). Identifiers: Orphanet 98820, MedGen C1858477, MONDO:0020310.

Submission:

Labcorp Genetics (formerly Invitae), Labcorp
Classification: Pathogenic for Familial focal epilepsy with variable foci. Last evaluated: 2020-02-04. Review status: criteria provided, single submitter. Criteria: Invitae Variant Classification Sherloc (09022015). Collection method: clinical testing. Allele origin: germline.
Comment: For these reasons, this variant has been classified as Pathogenic. Loss-of-function variants in DEPDC5 are known to be pathogenic (PMID: 23542697, 23542701). This variant has not been reported in the literature in individuals with DEPDC5-related conditions. This variant is an out-of-frame deletion of the genomic region encompassing exon 11 of the DEPDC5 gene. This is expected to create a premature translational stop signal and result in an absent or disrupted protein product.

Literature cited by the submitters: PubMed 23542697; PubMed 23542701.